The following is an entry in ClinVar:

NM_020975.6(RET):c.1852T>C (p.Cys618Arg)

Gene: RET (ret proto-oncogene; plus strand). Cytogenetic location: 10q11.21.
Variant type: single nucleotide variant.
Coding change: c.1852T>C on transcript NM_020975.6 (MANE Select); coding-DNA position 1852, T replaced by C.
Protein change: p.Cys618Arg; replaces cysteine 618 with arginine.
Molecular consequence: missense variant.
Genome position (GRCh38, 1-based): chr10:43,113,648, T>C. VCF-style: chr10-43113648-T-C. GRCh37 (hg19) VCF-style: chr10-43609096-T-C.
Other names: c.1852T>C, p.Cys618Arg (NM_001406763.1, NM_001406765.1, NM_000323.2 and 6 more transcripts); c.1723T>C, p.Cys575Arg (NM_001406764.1, NM_001406768.1, NM_001406761.1 and 1 more transcripts); c.1564T>C, p.Cys522Arg (NM_001406766.1, NM_001406767.1, NM_001406770.1); c.1456T>C, p.Cys486Arg (NM_001406769.1, NM_001406772.1); c.1414T>C, p.Cys472Arg (NM_001406771.1, NM_001406773.1); c.955T>C, p.Cys319Arg (NM_001406782.1, NM_001406787.1, NM_001406779.1 and 2 more transcripts); c.826T>C, p.Cys276Arg (NM_001406783.1, NM_001406786.1); c.862T>C, p.Cys288Arg (NM_001406784.1); and 5 more; short protein forms C618R, C364R, C288R, C276R, C319R, C376R, C443R, C472R.
Identifiers: ClinVar variation 13929 (VCV000013929.39), dbSNP rs76262710, ClinGen allele CA007985.
Genomic context (GRCh38, chr10:43,113,648, plus strand): 5'-GAGCCCCGGGGGATTAAAGCTGGCTATGGCACCTGCAACTGCTTCCCTGAGGAGGAGAAG[T>C]GCTTCTGCGAGCCCGAAGACATCCAGGGTGAGTGGGTGGCGGCCGGGACCACCACCACCT-3'
Protein context (NP_066124.1, residues 608-628): TCNCFPEEEK[Cys618Arg]FCEPEDIQDP

ClinVar aggregate classification (germline): Pathogenic/Likely pathogenic. Review status: criteria provided, multiple submitters, no conflicts (2 of 4 stars). 15 submissions from 14 submitters: Pathogenic (12); Likely pathogenic (1). 2 of the submissions do not count toward it. Last evaluated 2026-05-29.

Conditions:
Hereditary cancer-predisposing syndrome. Also called: Neoplastic Syndromes, Hereditary; Tumor predisposition; Hereditary neoplastic syndrome; Hereditary Cancer Syndrome. Identifiers: Orphanet 140162, MedGen C0027672, MeSH D009386, MONDO:0015356.
Multiple endocrine neoplasia, type 2 (MEN2). Identifiers: Orphanet 653, MedGen C4048306, MONDO:0019003. Disease mechanism: gain of function.
Multiple endocrine neoplasia type 2B. Also called: MEN 2B; Multiple endocrine neoplasia, type 3; MULTIPLE ENDOCRINE NEOPLASIA, TYPE IIB; MUCOSAL NEUROMA SYNDROME; NEUROMATA, MUCOSAL, WITH ENDOCRINE TUMORS; WAGENMANN-FROBOESE SYNDROME. Identifiers: Orphanet 247709, Orphanet 653, MedGen C0025269, MeSH D018814, MONDO:0008082, OMIM 162300.
Multiple endocrine neoplasia type 2A. Also called: MULTIPLE ENDOCRINE NEOPLASIA, TYPE IIA; PTC SYNDROME; SIPPLE SYNDROME; MEN 2A; MEN-2A syndrome; Pheochromocytoma and amyloid producing medullary thyroid carcinoma. Identifiers: Orphanet 247698, Orphanet 653, MedGen C0025268, MeSH D018813, MONDO:0008234, OMIM 171400.
Familial medullary thyroid carcinoma (MTC). Also called: Thyroid cancer, familial medullary; MTC, familial; Familial Medullary Thyroid Carcinoma (FMTC). Identifiers: Orphanet 653, Orphanet 99361, MedGen C1833921, MONDO:0007958, OMIM 155240.

Allele frequency attached by ClinVar (database versions not stated): ExAC 0.00001.

Submissions 1 to 8 of 15:

Diller/Parad Lab, Dana-Farber/Harvard Cancer Center
Classification: Likely pathogenic for Multiple endocrine neoplasia type 2A. Last evaluated: 2026-05-29. Review status: criteria provided, single submitter. Criteria: ACMG Guidelines, 2015. Collection method: research. Allele origin: germline. Affected: yes.
Comment: It has been classified as Likely Pathogenic using Richards et al (PMID:25741868) based on the following evidence codes: PM2, PS1, PP3, PP5.

Labcorp Genetics (formerly Invitae), Labcorp
Classification: Pathogenic for Multiple endocrine neoplasia, type 2. Last evaluated: 2025-10-19. Review status: criteria provided, single submitter. Criteria: Invitae Variant Classification Sherloc (09022015). Collection method: clinical testing. Allele origin: germline.
Comment: This sequence change replaces cysteine, which is neutral and slightly polar, with arginine, which is basic and polar, at codon 618 of the RET protein (p.Cys618Arg). This variant is present in population databases (rs76262710, gnomAD 0.007%). This missense change has been observed in individuals with multiple endocrine neoplasia type 2, familial medullary thyroid carcinoma and Hirschsprung disease (PMID: 7849720, 7881414, 8675603, 9259198, 11935126, 14561794, 20516206, 20979234, 21422799, 21765987, 24152999, 25374962, 25628771, 25694125, 29097883). It is commonly reported in individuals of Moroccan ancestry (PMID: 7849720, 7881414, 8675603, 9259198, 11935126, 14561794, 20516206, 20979234, 21422799, 21765987, 24152999, 25374962, 25628771, 25694125, 29097883). ClinVar contains an entry for this variant (Variation ID: 13929). An algorithm developed to predict the effect of missense changes on protein structure and function (PolyPhen-2) suggests that this variant is likely to be disruptive. Experimental studies have shown that this missense change affects RET function (PMID: 7824936, 9174404, 9230192, 9879991). This variant disrupts the p.Cys618 amino acid residue in RET. Other variant(s) that disrupt this residue have been determined to be pathogenic (PMID: 7915165, 8099202, 8103403, 8807338, 9384613, 9498388, 9839497, 20979234, 21254918, 21765987). This suggests that this residue is clinically significant, and that variants that disrupt this residue are likely to be disease-causing. For these reasons, this variant has been classified as Pathogenic.

Mayo Clinic Laboratories, Mayo Clinic
Classification: Pathogenic. Last evaluated: 2025-08-06. Review status: criteria provided, single submitter. Criteria: ACMG Guidelines, 2015. Collection method: clinical testing. Allele origin: germline. Observed: 1 variant allele.
Comment: PP1_strong, PP3_strong, PM2_supporting, PM5, PS4_moderate

Myriad Genetics, Inc.
Classification: Pathogenic for Multiple endocrine neoplasia type 2A. Last evaluated: 2024-12-26. Review status: criteria provided, single submitter. Criteria: Myriad Autosomal Dominant, Autosomal Recessive and X-Linked Classification Criteria (2023). Collection method: clinical testing. Allele origin: unknown.
Comment: This variant is considered pathogenic. Functional studies indicate this variant impacts protein function [PMID: 9230192, 9879991]. This variant has been reported in multiple individuals with clinical features of gene-specific disease [PMID: 21422799, 20979234, 9259198, 35174786, 25810047].

Laboratory of Molecular and Cytogenetics, Department of Anatomy, All India Institute of Medical Sciences (AIIMS)
Classification: Pathogenic for Multiple endocrine neoplasia type 2A. Last evaluated: 2023-05-21. Review status: criteria provided, single submitter. Criteria: ACMG Guidelines, 2015. Collection method: clinical testing. Allele origin: germline. Affected: yes. Observed: 1 variant allele.

GeneDx
Classification: Pathogenic. Last evaluated: 2022-10-13. Review status: criteria provided, single submitter. Criteria: GeneDx Variant Classification Process June 2021. Collection method: clinical testing. Allele origin: germline. Affected: yes.
Comment: Published functional studies demonstrate a damaging effect: variant increases RET tyrosine phosphorylation activity (Chappuis-Flament et al., 1998; Okamoto et al., 2019); Not observed at significant frequency in large population cohorts (gnomAD); In silico analysis supports that this missense variant has a deleterious effect on protein structure/function; This variant is associated with the following publications: (PMID: 7849720, 7881414, 9259198, 15588376, 20516206, 27809725, 9230192, 24928018, 8675603, 24152999, 11839664, 10490816, 9745455, 9384613, 17895320, 9067749, 8626834, 20979234, 21765987, 9146685, 21325462, 21422799, 16158949, 18063059, 21054478, 15345114, 11935126, 28729773, 21575412, 26678667, 30884088, 11386462, 32948239, 29396759, 31510104, 30763276, 33340421, 14633923, 29625052, 9879991)

Ambry Genetics
Classification: Pathogenic for Hereditary cancer-predisposing syndrome. Last evaluated: 2022-03-11. Review status: criteria provided, single submitter. Criteria: Ambry Variant Classification Scheme 2023. Collection method: clinical testing. Allele origin: germline.
Comment: The p.C618R pathogenic mutation (also known as c.1852T>C), located in coding exon 10 of the RET gene, results from a T to C substitution at nucleotide position 1852. The cysteine at codon 618 is replaced by arginine, an amino acid with highly dissimilar properties. This alteration has been identified in numerous individuals fulfilling criteria for a clinical diagnosis of multiple endocrine neoplasia type 2A (MEN2A) or familial medullary thyroid cancer (FMTC) (Ambry internal data; Romei C et al. Clin. Endocrinol. (Oxf). 2011 Feb;74:241-7; Chung YJ et al. Thyroid. 2004 Oct;14:813-8; Blaugrund JE et al. Hum. Mol. Genet. 1994 Oct;3:1895-7; Frank-Raue K et al. Hum. Mutat. 2011 Jan;32:51-8; Zhao JQ et al. Hered Cancer Clin Pract. 2015 Jan;13:5). This alteration had been identified in six families in the literature presenting with a clinical diagnosis of MEN2A/FMTC and Hirschsprung disease (Hibi Y et al. Endocr. J. 2014;61:19-23; Mulligan LM et al. Hum Mol Genet. 1994 Dec;3:2163-7; Caron P et al. J Clin Endocrinol Metab.1996 Jul;81:2731-3; Peretz H et al. Hum Mutat. 1997;10:155-9; Pasini B et al. Surgery. 2002 Apr;131:373-81). It has been classified as conferring "moderate risk" for MTC by the American Thyroid Association (Wells SA. Thyroid. 2015 Jun;25:567-610). This amino acid position is highly conserved in available vertebrate species. In addition, this alteration is predicted to be deleterious by in silico analysis. Based on the supporting evidence, this alteration is pathogenic for MEN2; however, the association of this alteration with Hirschsprung disease is unknown.

Sema4
Classification: Pathogenic for Hereditary cancer-predisposing syndrome. Last evaluated: 2021-02-10. Review status: criteria provided, single submitter. Criteria: Sema4 Curation Guidelines. Collection method: curation. Allele origin: germline.
Comment: The RET c.1852T>C (p.C618R) variant has been reported in several individuals with familial medullary thyroid cancer, multiple endocrine neoplasia 2A and Hirschsprung Disease (PMID: 21422799, 20979234, 9259198). In addition, this variant has been reported to co-segregate with disease in at least two families (PMID: 9259198). Functional studies have shown that this variant alters the protein function (PMID: 9230192). This variant is a founder variant in the Cypriot and Moroccan Jewish population (PMID: 21422799, 9259198). This variant was observed in 1/16044 chromosomes in the African/African American population according to the Genome Aggregation Database (PMID: 32461654). Different missense changes at this codon (C618S, C618G, C618Y, C618F) have been reported in individuals affected with familial medullary thyroid cancer, multiple endocrine neoplasia type 2A and Hirschsprung disease (PMID: 7849720, 21765987, 20041006, 20979234, 18063059). Based on the current evidence available, this variant is interpreted as pathogenic.